The following is an entry in ClinVar:

NM_001364905.1(LRBA):c.4338A>G (p.Leu1446=)

Gene: LRBA (LPS responsive beige-like anchor protein; minus strand). Cytogenetic location: 4q31.3.
Variant type: single nucleotide variant.
Coding change: c.4338A>G on transcript NM_001364905.1 (MANE Select); coding-DNA position 4338, A replaced by G.
Protein change: p.Leu1446=; no amino-acid change (leucine 1446 retained).
Molecular consequence: synonymous variant.
Genome position (GRCh38, 1-based): chr4:150,848,819, T>C on the plus strand (A>G on the coding strand, the complement: LRBA is on the minus strand). VCF-style: chr4-150848819-T-C. GRCh37 (hg19) VCF-style: chr4-151769971-T-C.
Other names: c.4338A>G, p.Leu1446= (NM_001199282.3, NM_001367550.1, NM_006726.5).
Identifiers: ClinVar variation 593261 (VCV000593261.17), dbSNP rs201059532, ClinGen allele CA3102830.

ClinVar aggregate classification (germline): Conflicting classifications of pathogenicity. Review status: criteria provided, conflicting classifications (1 of 4 stars). 3 submissions from 3 submitters: Uncertain significance (2); Likely benign (1). Last evaluated 2025-12-31.

Conditions:
Combined immunodeficiency due to LRBA deficiency. Also called: Common variable immunodeficiency 8, with autoimmunity. Identifiers: Orphanet 445018, MedGen C3553512, MONDO:0013863, OMIM 614700.

Allele frequency attached by ClinVar (database versions not stated): gnomAD 0.00008 and 0.00013; ExAC 0.00016; TOPMed 0.00017; gnomAD exomes 0.00021; 1000 Genomes Project 30x 0.00094; 1000 Genomes Project 0.00100.
gnomAD v4.1: 111 of 1,593,422 alleles (0.007%); highest among the groups gnomAD compares: East Asian, 0.19%; no homozygotes.

Submissions (3):

Labcorp Genetics (formerly Invitae), Labcorp
Classification: Likely benign for Combined immunodeficiency due to LRBA deficiency. Last evaluated: 2025-12-31. Review status: criteria provided, single submitter. Criteria: Invitae Variant Classification Sherloc (09022015). Collection method: clinical testing. Allele origin: germline.

Eurofins Ntd Llc (ga)
Classification: Uncertain significance. Last evaluated: 2017-07-26. Review status: criteria provided, single submitter. Criteria: EGL Classification Definitions 2015. Collection method: clinical testing. Allele origin: germline. Observed: 1 variant allele, 1 heterozygote.

Juno Genomics, Hangzhou Juno Genomics, Inc
Classification: Uncertain significance for Combined immunodeficiency due to LRBA deficiency. Review status: criteria provided, single submitter. Criteria: ACMG Guidelines, 2015. Collection method: clinical testing. Allele origin: germline. Affected: yes.
Comment: Absent from controls (or at extremely low frequency if recessive) in Genome Aggregation Database, Exome Sequencing Project, 1000 Genomes Project, or Exome Aggregation Consortium.